The following is an entry in ClinVar:

NM_000388.4(CASR):c.1103T>C (p.Leu368Ser)

Gene: CASR (calcium sensing receptor; plus strand). Cytogenetic location: 3q21.1.
Variant type: single nucleotide variant.
Coding change: c.1103T>C on transcript NM_000388.4 (MANE Select); coding-DNA position 1103, T replaced by C.
Protein change: p.Leu368Ser; replaces leucine 368 with serine.
Molecular consequence: missense variant.
Genome position (GRCh38, 1-based): chr3:122,262,138, T>C. VCF-style: chr3-122262138-T-C. GRCh37 (hg19) VCF-style: chr3-121980985-T-C.
Other names: c.1103T>C, p.Leu368Ser (NM_001178065.2); short protein forms L368S.
Identifiers: ClinVar variation 648371 (VCV000648371.9), dbSNP rs1576859083, ClinGen allele CA354152594.
Genomic context (GRCh38, chr3:122,262,138, plus strand): 5'-CCAAGGAGTTTTGGGAAGAAACATTTAACTGCCACCTCCAAGAAGGTGCAAAAGGACCTT[T>C]ACCTGTGGACACCTTTCTGAGAGGTCACGAAGAAAGTGGCGACAGGTTTAGCAACAGCTC-3'
Protein context (NP_000379.3, residues 358-378): CHLQEGAKGP[Leu368Ser]PVDTFLRGHE

ClinVar aggregate classification (germline): Uncertain significance (1 of 4 stars; one submission).

Conditions:
Autosomal dominant hypocalcemia 1 (HYPOC1). Also called: HYPOCALCEMIA, FAMILIAL. Identifiers: MedGen C3715128, MONDO:0011013, OMIM 601198.
Familial hypocalciuric hypercalcemia (FHH). Also called: Familial benign hypercalcemia. Identifiers: Orphanet 405, MedGen C1809471, MONDO:0018458.

Submission:

Labcorp Genetics (formerly Invitae), Labcorp
Classification: Uncertain significance for Familial hypocalciuric hypercalcemia; Autosomal dominant hypocalcemia 1. Last evaluated: 2018-07-29. Review status: criteria provided, single submitter. Criteria: Invitae Variant Classification Sherloc (09022015). Collection method: clinical testing. Allele origin: germline.
Comment: Algorithms developed to predict the effect of missense changes on protein structure and function output the following: SIFT: "Deleterious"; PolyPhen-2: "Benign"; Align-GVGD: "Class C0". The serine amino acid residue is found in multiple mammalian species, suggesting that this missense change does not adversely affect protein function. These predictions have not been confirmed by published functional studies and their clinical significance is uncertain. In summary, the available evidence is currently insufficient to determine the role of this variant in disease. Therefore, it has been classified as a Variant of Uncertain Significance. This variant has not been reported in the literature in individuals with CASR-related disease. This variant is not present in population databases (ExAC no frequency). This sequence change replaces leucine with serine at codon 368 of the CASR protein (p.Leu368Ser). The leucine residue is highly conserved and there is a large physicochemical difference between leucine and serine.